The following is an entry in ClinVar:

NM_000138.5(FBN1):c.4577G>C (p.Cys1526Ser)

Gene: FBN1 (fibrillin 1; minus strand). Cytogenetic location: 15q21.1.
Variant type: single nucleotide variant.
Coding change: c.4577G>C on transcript NM_000138.5 (MANE Select); coding-DNA position 4577, G replaced by C.
Protein change: p.Cys1526Ser; replaces cysteine 1526 with serine.
Molecular consequence: missense variant.
Genome position (GRCh38, 1-based): chr15:48,468,417, C>G on the plus strand (G>C on the coding strand, the complement: FBN1 is on the minus strand). VCF-style: chr15-48468417-C-G. GRCh37 (hg19) VCF-style: chr15-48760614-C-G.
Other names: c.4577G>C, p.Cys1526Ser (NM_001406716.1); short protein forms C1526S.
Identifiers: ClinVar variation 2925553 (VCV002925553.3), dbSNP rs886039120, ClinGen allele CA392353301.
Genomic context (GRCh38, chr15:48,468,417, plus strand): 5'-TTTTCAAAATAATACACAGTATGCTTGCTTCTCTGAAAAGTTTTTAAGGTCTTACCAACA[C>G]AGCCAACTCGAGTTGGGTTCAGTTCAAAATCAGGTGGGCAGTCACAGATATAGCTGCCTG-3'
Protein context (NP_000129.3, residues 1516-1536): DFELNPTRVG[Cys1526Ser]VDTRSGNCYL

ClinVar aggregate classification (germline): Pathogenic (1 of 4 stars; one submission).

Conditions:
Marfan syndrome (MFS). Also called: MARFAN SYNDROME, TYPE I; Marfan syndrome type 1; Marfan's syndrome; Marfan syndrome, classic; FBN1-Related Marfan Syndrome. Identifiers: Orphanet 284963, Orphanet 558, MedGen C0024796, MONDO:0007947, OMIM 154700.
Familial thoracic aortic aneurysm and aortic dissection (TAAD). Also called: Thoracic aortic aneurysms and dissections. Identifiers: Orphanet 91387, MedGen C4707243, MONDO:0019625.

Submission:

Labcorp Genetics (formerly Invitae), Labcorp
Classification: Pathogenic for Marfan syndrome; Familial thoracic aortic aneurysm and aortic dissection. Last evaluated: 2022-11-26. Review status: criteria provided, single submitter. Criteria: Invitae Variant Classification Sherloc (09022015). Collection method: clinical testing. Allele origin: germline.
Comment: This sequence change replaces cysteine, which is neutral and slightly polar, with serine, which is neutral and polar, at codon 1526 of the FBN1 protein (p.Cys1526Ser). This variant is not present in population databases (gnomAD no frequency). This missense change has been observed in individual(s) with Marfan syndrome (PMID: 18087243). Advanced modeling of protein sequence and biophysical properties (such as structural, functional, and spatial information, amino acid conservation, physicochemical variation, residue mobility, and thermodynamic stability) performed at Invitae indicates that this missense variant is expected to disrupt FBN1 protein function. This variant affects a cysteine residue in the EGF-like, TGFBP or hybrid motif domains of FBN1. Cysteine residues are believed to be involved in intramolecular disulfide bridges and have been shown to be important for FBN1 protein structure (PMID: 16905551, 19349279). In addition, missense substitutions affecting cysteine residues within these domains are significantly overrepresented among patients with Marfan syndrome (PMID: 16571647, 17701892). This variant disrupts the p.Cys1526 amino acid residue in FBN1. Other variant(s) that disrupt this residue have been observed in individuals with FBN1-related conditions (PMID: 18087243, 19839986), which suggests that this may be a clinically significant amino acid residue. For these reasons, this variant has been classified as Pathogenic.

Literature cited by the submitters: PubMed 18087243; PubMed 16905551; PubMed 19349279; PubMed 16571647; PubMed 17701892; PubMed 19839986.